The following is an entry in ClinVar:

NM_001271.4(CHD2):c.1908del (p.Phe636fs)

Gene: CHD2 (chromodomain helicase DNA binding protein 2; plus strand). Cytogenetic location: 15q26.1.
Variant type: Deletion.
Coding change: c.1908del on transcript NM_001271.4 (MANE Select); coding-DNA position 1908, one base deleted (C; older notation c.1908delC).
Protein change: p.Phe636fs; shifts the reading frame from phenylalanine 636.
Molecular consequence: frameshift variant.
Genome position (GRCh38, 1-based): chr15:92,956,557, C deleted. VCF-style (leftmost placement, unchanged base first): chr15-92956556-TC-T. GRCh37 (hg19) VCF-style: chr15-93499786-TC-T.
Other names: short protein forms F636fs.
Identifiers: ClinVar variation 5002536 (VCV005002536.1).
Genomic context (GRCh38, chr15:92,956,556, plus strand): 5'-TGGATGAAGCCCATCGGTTGAAGAATGATGACTCTTTATTGTATAAAACTCTGATTGATT[TC>T]AAGTCCAACCATAGGCTCCTGATTACGGGGACCCCTCTTCAGAATTCCCTCAAAGAGCTC-3'

ClinVar aggregate classification (germline): Likely pathogenic (1 of 4 stars; one submission).

Conditions:
CHD2-related disorder. Also called: CHD2-related condition.

Submission:

PreventionGenetics, part of Exact Sciences
Classification: Likely pathogenic for CHD2-related condition. Last evaluated: 2024-11-25. Review status: criteria provided, single submitter. Criteria: ACMG Guidelines, 2015. Collection method: clinical testing. Allele origin: germline.
Comment: The CHD2 c.1908delC variant is predicted to result in a frameshift and premature protein termination (p.Phe636Leufs*8). To our knowledge, this variant has not been reported in the literature or in a large population database (gnomAD), indicating this variant is rare. Frameshift variants in CHD2 are expected to be pathogenic. This variant is interpreted as likely pathogenic.